The following is an entry in ClinVar:

ClinVar aggregate classification (germline): Uncertain significance (0 of 4 stars; one submission).

Conditions:
COLEC11-related disorder. Also called: COLEC11-related condition.

Allele frequency attached by ClinVar (database versions not stated): gnomAD exomes 0.00001; ExAC 0.00006; gnomAD 0.00007; TOPMed 0.00012; ESP Exome Variant Server 0.00031; 1000 Genomes Project 0.00040; 1000 Genomes Project 30x 0.00047.
gnomAD v4.1: 33 of 1,614,128 alleles (0.002%); highest among the groups gnomAD compares: African/African-American, 0.036%; no homozygotes.

Submission:

PreventionGenetics, part of Exact Sciences
Classification: Uncertain significance for COLEC11-related condition. Last evaluated: 2023-11-01. Review status: no assertion criteria provided. Collection method: clinical testing. Allele origin: germline.
Comment: The COLEC11 c.26C>T variant is predicted to result in the amino acid substitution p.Ser9Leu. To our knowledge, this variant has not been reported in the literature. This variant is reported in 0.028% of alleles in individuals of African descent in gnomAD. At this time, the clinical significance of this variant is uncertain due to the absence of conclusive functional and genetic evidence.

NM_024027.5(COLEC11):c.114C>T (p.Leu38=)

Gene: COLEC11 (collectin subfamily member 11; plus strand). Cytogenetic location: 2p25.3.
Variant type: single nucleotide variant.
Coding change: c.114C>T on transcript NM_024027.5 (MANE Select); coding-DNA position 114, C replaced by T.
Protein change: p.Leu38=; no amino-acid change (leucine 38 retained).
Molecular consequence: synonymous variant. On other transcripts: missense variant (1), non-coding transcript variant (1).
Genome position (GRCh38, 1-based): chr2:3,604,454, C>T. VCF-style: chr2-3604454-C-T. GRCh37 (hg19) VCF-style: chr2-3652044-C-T.
Other names: c.114C>T, p.Leu38= (NM_001255982.2, NM_001255983.2, NM_001255984.2); c.156C>T, p.Leu52= (NM_001255985.1); c.26C>T, p.Ser9Leu (NM_199235.3); short protein forms S9L.
Identifiers: ClinVar variation 3052218 (VCV003052218.2), dbSNP rs139738651, ClinGen allele CA1516808.
Genomic context (GRCh38, chr2:3,604,454, plus strand): 5'-ACTGCTGCCATCTGGACATCCTCAGCCGGCTGGCGATGACGCCTGCTCTGTGCAGATCCT[C>T]GTCCCTGGCCTCAAAGGTAACCGCTCCCTGGACTCTGGGCTGCTGGGCAGTGGCCTCCGG-3'
Protein context (NP_076932.1, residues 28-48): AGDDACSVQI[Leu38=]VPGLKGDAGE